The following is an entry in ClinVar:

ClinVar aggregate classification (germline): Uncertain significance (1 of 4 stars; one submission).

Allele frequency attached by ClinVar (database versions not stated): ExAC 0.00001.

Submission:

Labcorp Genetics (formerly Invitae), Labcorp
Classification: Uncertain significance. Last evaluated: 2022-03-01. Review status: criteria provided, single submitter. Criteria: Invitae Variant Classification Sherloc (09022015). Collection method: clinical testing. Allele origin: germline.
Comment: This variant is not present in population databases (gnomAD no frequency). This sequence change replaces histidine, which is basic and polar, with aspartic acid, which is acidic and polar, at codon 173 of the NFKB1 protein (p.His173Asp). This variant has not been reported in the literature in individuals affected with NFKB1-related conditions. Algorithms developed to predict the effect of missense changes on protein structure and function are either unavailable or do not agree on the potential impact of this missense change (SIFT: "Deleterious"; PolyPhen-2: "Possibly Damaging"; Align-GVGD: "Class C0"). In summary, the available evidence is currently insufficient to determine the role of this variant in disease. Therefore, it has been classified as a Variant of Uncertain Significance.

NM_003998.4(NFKB1):c.517C>G (p.His173Asp)

Gene: NFKB1 (nuclear factor kappa B subunit 1; plus strand). Cytogenetic location: 4q24.
Variant type: single nucleotide variant.
Coding change: c.517C>G on transcript NM_003998.4 (MANE Select); coding-DNA position 517, C replaced by G.
Protein change: p.His173Asp; replaces histidine 173 with aspartic acid.
Molecular consequence: missense variant.
Genome position (GRCh38, 1-based): chr4:102,576,985, C>G. VCF-style: chr4-102576985-C-G. GRCh37 (hg19) VCF-style: chr4-103498142-C-G.
Other names: c.514C>G, p.His172Asp (NM_001165412.2, NM_001319226.2, NM_001382627.1); c.517C>G, p.His173Asp (NM_001382625.1, NM_001382626.1); c.475C>G, p.His159Asp (NM_001382628.1); short protein forms H159D, H172D, H173D.
Identifiers: ClinVar variation 2105220 (VCV002105220.4), dbSNP rs753794335, ClinGen allele CA3025896.